The following is an entry in ClinVar:

ClinVar aggregate classification (germline): Uncertain significance (1 of 4 stars; one submission).

Conditions:
Familial hemophagocytic lymphohistiocytosis 2 (FHL2). Also called: PRF1-Related Familial Hemophagocytic Lymphohistiocytosis (PRF1-fHLH). Identifiers: Orphanet 540, MedGen C1863727, MONDO:0011337, OMIM 603553.

Allele frequency attached by ClinVar (database versions not stated): gnomAD 0.00001; TOPMed 0.00001.

Submission:

Labcorp Genetics (formerly Invitae), Labcorp
Classification: Uncertain significance for Hemophagocytic lymphohistiocytosis, familial, 2. Last evaluated: 2018-03-15. Review status: criteria provided, single submitter. Criteria: Invitae Variant Classification Sherloc (09022015). Collection method: clinical testing. Allele origin: germline.
Comment: This sequence change replaces valine with methionine at codon 61 of the PRF1 protein (p.Val61Met). The valine residue is moderately conserved and there is a small physicochemical difference between valine and methionine. This variant is not present in population databases (ExAC no frequency). This variant has not been reported in the literature in individuals with PRF1-related disease. Algorithms developed to predict the effect of missense changes on protein structure and function do not agree on the potential impact of this missense change (SIFT: "Tolerated"; PolyPhen-2: "Probably Damaging"; Align-GVGD: "Class C0"). In summary, the available evidence is currently insufficient to determine the role of this variant in disease. Therefore, it has been classified as a Variant of Uncertain Significance.

NM_001083116.3(PRF1):c.181G>A (p.Val61Met)

Gene: PRF1 (perforin 1; minus strand). Cytogenetic location: 10q22.1.
Variant type: single nucleotide variant.
Coding change: c.181G>A on transcript NM_001083116.3 (MANE Select); coding-DNA position 181, G replaced by A.
Protein change: p.Val61Met; replaces valine 61 with methionine.
Molecular consequence: missense variant.
Genome position (GRCh38, 1-based): chr10:70,600,722, C>T on the plus strand (G>A on the coding strand, the complement: PRF1 is on the minus strand). VCF-style: chr10-70600722-C-T. GRCh37 (hg19) VCF-style: chr10-72360478-C-T.
Other names: c.181G>A, p.Val61Met (NM_005041.6); short protein forms V61M.
Identifiers: ClinVar variation 573167 (VCV000573167.1), dbSNP rs1564725427, ClinGen allele CA376959931.